The following is an entry in ClinVar:

ClinVar aggregate classification (germline): Uncertain significance (1 of 4 stars; one submission).

Conditions:
Developmental and epileptic encephalopathy, 31A. Also called: Epileptic encephalopathy, early infantile, 31; Developmental and epileptic encephalopathy, 31. Identifiers: Orphanet 2382, MedGen C4225357, MONDO:0014598, OMIM 616346.

Allele frequency attached by ClinVar (database versions not stated): gnomAD exomes 0.00001; ExAC 0.00004.
gnomAD v4.1: 17 of 1,577,838 alleles (0.0011%); highest among the groups gnomAD compares: Non-Finnish European, 0.0014%; no homozygotes.

Submission:

Labcorp Genetics (formerly Invitae), Labcorp
Classification: Uncertain significance for Developmental and epileptic encephalopathy, 31A. Last evaluated: 2025-08-20. Review status: criteria provided, single submitter. Criteria: Invitae Variant Classification Sherloc (09022015). Collection method: clinical testing. Allele origin: germline.
Comment: This sequence change replaces threonine, which is neutral and polar, with alanine, which is neutral and non-polar, at codon 462 of the DNM1 protein (p.Thr462Ala). The frequency data for this variant in the population databases is considered unreliable, as metrics indicate poor data quality at this position in the gnomAD database. This variant has not been reported in the literature in individuals affected with DNM1-related conditions. ClinVar contains an entry for this variant (Variation ID: 1922330). Invitae Evidence Modeling of protein sequence and biophysical properties (such as structural, functional, and spatial information, amino acid conservation, physicochemical variation, residue mobility, and thermodynamic stability) indicates that this missense variant is not expected to disrupt DNM1 protein function with a negative predictive value of 80%. In summary, the available evidence is currently insufficient to determine the role of this variant in disease. Therefore, it has been classified as a Variant of Uncertain Significance.

NM_004408.4(DNM1):c.1384A>G (p.Thr462Ala)

Gene: DNM1 (dynamin 1; plus strand). Cytogenetic location: 9q34.11.
Variant type: single nucleotide variant.
Coding change: c.1384A>G on transcript NM_004408.4 (MANE Select); coding-DNA position 1384, A replaced by G.
Protein change: p.Thr462Ala; replaces threonine 462 with alanine.
Molecular consequence: missense variant.
Genome position (GRCh38, 1-based): chr9:128,234,069, A>G. VCF-style: chr9-128234069-A-G. GRCh37 (hg19) VCF-style: chr9-130996348-A-G.
Other names: c.1384A>G, p.Thr462Ala (NM_001005336.3, NM_001288737.2, NM_001288738.2 and 2 more transcripts); short protein forms T462A.
Identifiers: ClinVar variation 1922330 (VCV001922330.5), dbSNP rs755200765, ClinGen allele CA5258140.
Genomic context (GRCh38, chr9:128,234,069, plus strand): 5'-GCCCTTCCCCAGCTCCAGCAGTACCCGCGGCTACGGGAGGAGATGGAGCGCATCGTGACC[A>G]CCCACATCCGGGAGCGCGAGGGCCGCACTAAGGAGCAGGTGAGCCCCGCAGCACCCGGCC-3'
Protein context (NP_004399.2, residues 452-472): LREEMERIVT[Thr462Ala]HIREREGRTK